The following is an entry in ClinVar:

NM_030962.4(SBF2):c.1112G>C (p.Arg371Thr)

Gene: SBF2 (SET binding factor 2; minus strand). Cytogenetic location: 11p15.4.
Variant type: single nucleotide variant.
Coding change: c.1112G>C on transcript NM_030962.4 (MANE Select); coding-DNA position 1112, G replaced by C.
Protein change: p.Arg371Thr; replaces arginine 371 with threonine.
Molecular consequence: missense variant.
Genome position (GRCh38, 1-based): chr11:9,993,045, C>G on the plus strand (G>C on the coding strand, the complement: SBF2 is on the minus strand). VCF-style: chr11-9993045-C-G. GRCh37 (hg19) VCF-style: chr11-10014592-C-G.
Other names: c.1112G>C, p.Arg371Thr (NM_001386339.1, NM_001386342.1); c.1148G>C, p.Arg383Thr (NM_001424318.1, NM_001425069.1, NM_001425070.1); short protein forms R371T, R383T.
Identifiers: ClinVar variation 2820682 (VCV002820682.3), dbSNP rs2496111392, ClinGen allele CA379637871.

ClinVar aggregate classification (germline): Uncertain significance (1 of 4 stars; one submission).

Conditions:
Charcot-Marie-Tooth disease type 4. Also called: Charcot-Marie-Tooth disease, type IV; Charcot-Marie-Tooth, Type 4. Identifiers: Orphanet 64749, MedGen C4082197, MONDO:0018995.

Submission:

Labcorp Genetics (formerly Invitae), Labcorp
Classification: Uncertain significance for Charcot-Marie-Tooth disease type 4. Last evaluated: 2022-12-14. Review status: criteria provided, single submitter. Criteria: Invitae Variant Classification Sherloc (09022015). Collection method: clinical testing. Allele origin: germline.
Comment: This variant is not present in population databases (gnomAD no frequency). This sequence change replaces arginine, which is basic and polar, with threonine, which is neutral and polar, at codon 371 of the SBF2 protein (p.Arg371Thr). This variant has not been reported in the literature in individuals affected with SBF2-related conditions. In summary, the available evidence is currently insufficient to determine the role of this variant in disease. Therefore, it has been classified as a Variant of Uncertain Significance. Advanced modeling of protein sequence and biophysical properties (such as structural, functional, and spatial information, amino acid conservation, physicochemical variation, residue mobility, and thermodynamic stability) performed at Invitae indicates that this missense variant is expected to disrupt SBF2 protein function.